The following is an entry in ClinVar:

NM_000059.4(BRCA2):c.3752C>A (p.Thr1251Asn)

Gene: BRCA2 (BRCA2 DNA repair associated; plus strand). Cytogenetic location: 13q13.1.
Variant type: single nucleotide variant.
Coding change: c.3752C>A on transcript NM_000059.4 (MANE Select); coding-DNA position 3752, C replaced by A.
Protein change: p.Thr1251Asn; replaces threonine 1251 with asparagine.
Molecular consequence: missense variant.
Genome position (GRCh38, 1-based): chr13:32,338,107, C>A. VCF-style: chr13-32338107-C-A. GRCh37 (hg19) VCF-style: chr13-32912244-C-A.
Other names: short protein forms T1251N.
Identifiers: ClinVar variation 839499 (VCV000839499.11), dbSNP rs1555283384, ClinGen allele CA387778188.
Genomic context (GRCh38, chr13:32,338,107, plus strand): 5'-CTGAAGCTCTGCAAAAAGCTGTGAAACTGTTTAGTGATATTGAGAATATTAGTGAGGAAA[C>A]TTCTGCAGAGGTACATCCAATAAGTTTATCTTCAAGTAAATGTCATGATTCTGTTGTTTC-3'
Protein context (NP_000050.3, residues 1241-1261): FSDIENISEE[Thr1251Asn]SAEVHPISLS

ClinVar aggregate classification (germline): Conflicting classifications of pathogenicity. Review status: criteria provided, conflicting classifications (1 of 4 stars). 2 submissions from 2 submitters: Uncertain significance (1); Likely benign (1). Last evaluated 2023-03-23.

Conditions:
Hereditary breast ovarian cancer syndrome. Also called: Hereditary breast and ovarian cancer syndrome (HBOC); Hereditary breast and ovarian cancer; Hereditary breast and/or ovarian cancer syndrome; Hereditary breast and ovarian cancer syndrome; Breast and ovarian cancer; BRCA1- and BRCA2-Associated Hereditary Breast and Ovarian Cancer. Identifiers: Orphanet 145, MedGen C0677776, MeSH D061325, MONDO:0003582. Disease mechanism: loss of function.
Hereditary cancer-predisposing syndrome. Also called: Neoplastic Syndromes, Hereditary; Tumor predisposition; Hereditary neoplastic syndrome; Hereditary Cancer Syndrome. Identifiers: Orphanet 140162, MedGen C0027672, MeSH D009386, MONDO:0015356.

Submissions (2):

University of Washington Department of Laboratory Medicine, University of Washington
Classification: Likely benign for Hereditary cancer-predisposing syndrome. Last evaluated: 2023-03-23. Review status: criteria provided, single submitter. Criteria: Dines et al. (Genet Med. 2020). Collection method: curation. Allele origin: germline.
Comment: Missense variant in a coldspot region where missense variants are very unlikely to be pathogenic (PMID:31911673).

BRCA2 exon 11 coldspot. Reclassification based on statistical prior probability.

Labcorp Genetics (formerly Invitae), Labcorp
Classification: Uncertain significance for Hereditary breast ovarian cancer syndrome. Last evaluated: 2020-10-01. Review status: criteria provided, single submitter. Criteria: Invitae Variant Classification Sherloc (09022015). Collection method: clinical testing. Allele origin: germline.
Comment: This sequence change replaces threonine with asparagine at codon 1251 of the BRCA2 protein (p.Thr1251Asn). The threonine residue is weakly conserved and there is a small physicochemical difference between threonine and asparagine. In summary, the available evidence is currently insufficient to determine the role of this variant in disease. Therefore, it has been classified as a Variant of Uncertain Significance. Algorithms developed to predict the effect of missense changes on protein structure and function are either unavailable or do not agree on the potential impact of this missense change (SIFT: "Tolerated"; PolyPhen-2: "Possibly Damaging"; Align-GVGD: "Class C0"). This variant has not been reported in the literature in individuals with BRCA2-related conditions. This variant is not present in population databases (ExAC no frequency).